The following is an entry in ClinVar:

ClinVar aggregate classification (germline): Uncertain significance (1 of 4 stars; one submission).

Conditions:
RYR1-related disorder. Also called: RYR1-related condition; RYR1-related disorders. Identifiers: MedGen CN239331.

Allele frequency attached by ClinVar (database versions not stated): gnomAD exomes below 0.00001.
gnomAD v4.1: 2 of 1,614,250 alleles (0.00012%); highest among the groups gnomAD compares: Non-Finnish European, 0.00017%; no homozygotes.

Submission:

Labcorp Genetics (formerly Invitae), Labcorp
Classification: Uncertain significance for RYR1-related disorder. Last evaluated: 2025-03-18. Review status: criteria provided, single submitter. Criteria: Invitae Variant Classification Sherloc (09022015). Collection method: clinical testing. Allele origin: germline.
Comment: This sequence change replaces threonine, which is neutral and polar, with serine, which is neutral and polar, at codon 3906 of the RYR1 protein (p.Thr3906Ser). This variant is not present in population databases (gnomAD no frequency). This variant has not been reported in the literature in individuals affected with RYR1-related conditions. ClinVar contains an entry for this variant (Variation ID: 1008318). Invitae Evidence Modeling of protein sequence and biophysical properties (such as structural, functional, and spatial information, amino acid conservation, physicochemical variation, residue mobility, and thermodynamic stability) indicates that this missense variant is not expected to disrupt RYR1 protein function with a negative predictive value of 80%. In summary, the available evidence is currently insufficient to determine the role of this variant in disease. Therefore, it has been classified as a Variant of Uncertain Significance.

NM_000540.3(RYR1):c.11716A>T (p.Thr3906Ser)

Gene: RYR1 (ryanodine receptor 1; plus strand). Cytogenetic location: 19q13.2.
Variant type: single nucleotide variant.
Coding change: c.11716A>T on transcript NM_000540.3 (MANE Select); coding-DNA position 11716, A replaced by T.
Protein change: p.Thr3906Ser; replaces threonine 3906 with serine.
Molecular consequence: missense variant.
Genome position (GRCh38, 1-based): chr19:38,543,373, A>T. VCF-style: chr19-38543373-A-T. GRCh37 (hg19) VCF-style: chr19-39034013-A-T.
Other names: c.11701A>T, p.Thr3901Ser (NM_001042723.2); short protein forms T3901S, T3906S.
Identifiers: ClinVar variation 1008318 (VCV001008318.7), dbSNP rs1972283336, ClinGen allele CA405661179.